The following is an entry in ClinVar:

ClinVar aggregate classification (germline): Uncertain significance. Review status: criteria provided, multiple submitters, no conflicts (2 of 4 stars). 2 submissions from 2 submitters: Uncertain significance (2). Last evaluated 2022-10-02.

Conditions:
Cardiovascular phenotype. Identifiers: MedGen CN230736.
RASopathy. Also called: Noonan spectrum disorder; rasopathies. Identifiers: Orphanet 536391, MedGen C5555857, MONDO:0021060.

Submissions (2):

Ambry Genetics
Classification: Uncertain significance for Cardiovascular phenotype. Last evaluated: 2022-10-02. Review status: criteria provided, single submitter. Criteria: Ambry Variant Classification Scheme 2023. Collection method: clinical testing. Allele origin: germline.
Comment: The p.G23A variant (also known as c.68G>C), located in coding exon 1 of the CBL gene, results from a G to C substitution at nucleotide position 68. The glycine at codon 23 is replaced by alanine, an amino acid with similar properties. This amino acid position is conserved. In addition, this alteration is predicted to be tolerated by in silico analysis. Since supporting evidence is limited at this time, the clinical significance of this alteration remains unclear.

Labcorp Genetics (formerly Invitae), Labcorp
Classification: Uncertain significance for RASopathy. Last evaluated: 2022-03-14. Review status: criteria provided, single submitter. Criteria: Invitae Variant Classification Sherloc (09022015). Collection method: clinical testing. Allele origin: germline.
Comment: In summary, the available evidence is currently insufficient to determine the role of this variant in disease. Therefore, it has been classified as a Variant of Uncertain Significance. Advanced modeling of protein sequence and biophysical properties (such as structural, functional, and spatial information, amino acid conservation, physicochemical variation, residue mobility, and thermodynamic stability) performed at Invitae indicates that this missense variant is not expected to disrupt CBL protein function. This variant has not been reported in the literature in individuals affected with CBL-related conditions. This variant is not present in population databases (gnomAD no frequency). This sequence change replaces glycine, which is neutral and non-polar, with alanine, which is neutral and non-polar, at codon 23 of the CBL protein (p.Gly23Ala).

NM_005188.4(CBL):c.68G>C (p.Gly23Ala)

Genes: CBL (Cbl proto-oncogene; plus strand), LOC130006895 (ATAC-STARR-seq lymphoblastoid silent region 3975; plus strand). Cytogenetic location: 11q23.3.
Variant type: single nucleotide variant.
Coding change: c.68G>C on transcript NM_005188.4 (MANE Select); coding-DNA position 68, G replaced by C.
Protein change: p.Gly23Ala; replaces glycine 23 with alanine.
Molecular consequence: missense variant.
Genome position (GRCh38, 1-based): chr11:119,206,485, G>C. VCF-style: chr11-119206485-G-C. GRCh37 (hg19) VCF-style: chr11-119077195-G-C.
Other names: short protein forms G23A.
Identifiers: ClinVar variation 1756064 (VCV001756064.7), dbSNP rs2135244064, ClinGen allele CA382975927.